The following is an entry in ClinVar:

NM_006206.6(PDGFRA):c.249G>A (p.Thr83=)

Gene: PDGFRA (platelet derived growth factor receptor alpha; plus strand). Cytogenetic location: 4q12.
Variant type: single nucleotide variant.
Coding change: c.249G>A on transcript NM_006206.6 (MANE Select); coding-DNA position 249, G replaced by A.
Protein change: p.Thr83=; no amino-acid change (threonine 83 retained).
Molecular consequence: synonymous variant.
Genome position (GRCh38, 1-based): chr4:54,261,294, G>A. VCF-style: chr4-54261294-G-A. GRCh37 (hg19) VCF-style: chr4-55127461-G-A.
Other names: c.249G>A, p.Thr83= (NM_001347827.2, NM_001347829.2); c.324G>A, p.Thr108= (NM_001347828.2); c.288G>A, p.Thr96= (NM_001347830.2).
Identifiers: ClinVar variation 407432 (VCV000407432.15), dbSNP rs569343676, ClinGen allele CA2922252.

ClinVar aggregate classification (germline): Benign/Likely benign. Review status: criteria provided, multiple submitters, no conflicts (2 of 4 stars). 4 submissions from 4 submitters: Benign (1); Likely benign (3). Last evaluated 2026-06-16.

Conditions:
Polyps, multiple and recurrent inflammatory fibroid, gastrointestinal. Identifiers: MedGen C5193005, MONDO:0008285, OMIM 175510.
Hereditary cancer-predisposing syndrome. Also called: Neoplastic Syndromes, Hereditary; Tumor predisposition; Hereditary Cancer Syndrome; Hereditary neoplastic syndrome. Identifiers: Orphanet 140162, MedGen C0027672, MeSH D009386, MONDO:0015356.
Gastrointestinal stromal tumor. Also called: Gastrointestinal stroma tumor; Gastrointestinal stromal tumor, somatic. Identifiers: Orphanet 44890, MedGen C0238198, MeSH D046152, MONDO:0011719, OMIM 606764, HP:0100723.

Allele frequency attached by ClinVar (database versions not stated): gnomAD 0.00001 and 0.00003; gnomAD exomes 0.00002 and 0.00004; TOPMed 0.00002; ExAC 0.00007; 1000 Genomes Project 30x 0.00016; 1000 Genomes Project 0.00020.
gnomAD v4.1: 38 of 1,614,048 alleles (0.0024%); highest among the groups gnomAD compares: Middle Eastern, 0.033%; no homozygotes.

Submissions (4):

Myriad Genetics, Inc.
Classification: Benign for Polyps, multiple and recurrent inflammatory fibroid, gastrointestinal. Last evaluated: 2026-06-16. Review status: criteria provided, single submitter. Criteria: Myriad Autosomal Dominant, Autosomal Recessive and X-Linked Classification Criteria (2023). Collection method: clinical testing. Allele origin: unknown.
Comment: This variant is considered benign. This variant is a silent/synonymous amino acid change and it is not expected to impact splicing.

Labcorp Genetics (formerly Invitae), Labcorp
Classification: Likely benign for Gastrointestinal stromal tumor. Last evaluated: 2025-12-28. Review status: criteria provided, single submitter. Criteria: Invitae Variant Classification Sherloc (09022015). Collection method: clinical testing. Allele origin: germline.

Blueprint Genetics
Classification: Likely benign. Last evaluated: 2024-02-01. Review status: criteria provided, single submitter. Criteria: ACMG Guidelines, 2015. Collection method: clinical testing. Allele origin: germline.

Ambry Genetics
Classification: Likely benign for Hereditary cancer-predisposing syndrome. Last evaluated: 2018-11-07. Review status: criteria provided, single submitter. Criteria: Ambry Variant Classification Scheme 2023. Collection method: clinical testing. Allele origin: germline.